The following is an entry in ClinVar:

NM_053025.4(MYLK):c.977A>C (p.Lys326Thr)

Gene: MYLK (myosin light chain kinase; minus strand). Cytogenetic location: 3q21.1.
Variant type: single nucleotide variant.
Coding change: c.977A>C on transcript NM_053025.4 (MANE Select); coding-DNA position 977, A replaced by C.
Protein change: p.Lys326Thr; replaces lysine 326 with threonine.
Molecular consequence: missense variant.
Genome position (GRCh38, 1-based): chr3:123,734,019, T>G on the plus strand (A>C on the coding strand, the complement: MYLK is on the minus strand). VCF-style: chr3-123734019-T-G. GRCh37 (hg19) VCF-style: chr3-123452866-T-G.
Other names: c.449A>C, p.Lys150Thr (NM_001321309.2); c.977A>C, p.Lys326Thr (NM_053026.4, NM_053027.4, NM_053028.4); short protein forms K326T, K150T.
Identifiers: ClinVar variation 3297608 (VCV003297608.1).

ClinVar aggregate classification (germline): Uncertain significance (1 of 4 stars; one submission).

Conditions:
Familial thoracic aortic aneurysm and aortic dissection (TAAD). Also called: Thoracic aortic aneurysms and dissections. Identifiers: Orphanet 91387, MedGen C4707243, MONDO:0019625.

Submission:

Ambry Genetics
Classification: Uncertain significance for Familial thoracic aortic aneurysm and aortic dissection. Last evaluated: 2024-05-17. Review status: criteria provided, single submitter. Criteria: Ambry Variant Classification Scheme 2023. Collection method: clinical testing. Allele origin: germline.
Comment: The p.K326T variant (also known as c.977A>C), located in coding exon 7 of the MYLK gene, results from an A to C substitution at nucleotide position 977. The lysine at codon 326 is replaced by threonine, an amino acid with similar properties. This amino acid position is conserved. In addition, this alteration is predicted to be tolerated by in silico analysis. Based on the available evidence, the clinical significance of this variant remains unclear.